The following is an entry in ClinVar:

ClinVar aggregate classification (germline): Likely benign (1 of 4 stars; one submission).

Submission:

CeGaT Center for Human Genetics Tuebingen
Classification: Likely benign. Last evaluated: 2025-02-01. Review status: criteria provided, single submitter. Criteria: CeGaT Center For Human Genetics Tuebingen Variant Classification Criteria Version 2. Collection method: clinical testing. Allele origin: germline. Affected: yes. Observed: 1 variant allele.
Comment: PRX: PM2:Supporting, BP4, BP7

NM_181882.3(PRX):c.1875A>G (p.Lys625=)

Gene: PRX (periaxin; minus strand). Cytogenetic location: 19q13.2.
Variant type: single nucleotide variant.
Coding change: c.1875A>G on transcript NM_181882.3 (MANE Select); coding-DNA position 1875, A replaced by G.
Protein change: p.Lys625=; no amino-acid change (lysine 625 retained).
Molecular consequence: synonymous variant. On other transcripts: 3 prime UTR variant (1).
Genome position (GRCh38, 1-based): chr19:40,396,477, T>C on the plus strand (A>G on the coding strand, the complement: PRX is on the minus strand). VCF-style: chr19-40396477-T-C. GRCh37 (hg19) VCF-style: chr19-40902384-T-C.
Other names: c.2160A>G, p.Lys720= (NM_001411127.1); c.*2080A>G (NM_020956.2).
Identifiers: ClinVar variation 3772561 (VCV003772561.13).
Genomic context (GRCh38, chr19:40,396,477, plus strand): 5'-GGGCACCTTCGGGAGTTTCACCTCAGGGAGTTTCATCTCAGGGAGCTTCATCTCTGGGAC[T>C]TTTGGAAGCTGCACTTCTGGGAGGTGCACATCGGGCACGGCCATCTCGGGCACCTTCGGG-3'
Protein context (NP_870998.2, residues 615-635): DVHLPEVQLP[Lys625=]VPEMKLPEMK